The following is an entry in ClinVar:

NM_014727.3(KMT2B):c.2188G>A (p.Gly730Arg)

Gene: KMT2B (lysine methyltransferase 2B; plus strand). Cytogenetic location: 19q13.12.
Variant type: single nucleotide variant.
Coding change: c.2188G>A on transcript NM_014727.3 (MANE Select); coding-DNA position 2188, G replaced by A.
Protein change: p.Gly730Arg; replaces glycine 730 with arginine.
Molecular consequence: missense variant.
Genome position (GRCh38, 1-based): chr19:35,721,535, G>A. VCF-style: chr19-35721535-G-A. GRCh37 (hg19) VCF-style: chr19-36212437-G-A.
Other names: c.2188G>A (NM_014727.1); short protein forms G730R.
Identifiers: ClinVar variation 1485761 (VCV001485761.7), dbSNP rs771149482, ClinGen allele CA405396988.
Genomic context (GRCh38, chr19:35,721,535, plus strand): 5'-GTGGTCACCACTCCTGTTAAGGCCGAGGTGTCCCCTCACGGGGCTCCAGCTCTGAGCAAC[G>A]GGCCACAGACACAGGCTCAGCTACTGCAGCCCCTGCAGGCCTTGCAAACCCAGCTCCTGC-3'
Protein context (NP_055542.1, residues 720-740): SPHGAPALSN[Gly730Arg]PQTQAQLLQP

ClinVar aggregate classification (germline): Uncertain significance. Review status: criteria provided, multiple submitters, no conflicts (2 of 4 stars). 2 submissions from 2 submitters: Uncertain significance (2). Last evaluated 2026-01-02.

Conditions:
Inborn genetic diseases. Identifiers: MedGen C0950123, MeSH D030342.

Allele frequency attached by ClinVar (database versions not stated): gnomAD 0.00001.
gnomAD v4.1: 22 of 1,611,402 alleles (0.0014%); highest among the groups gnomAD compares: African/African-American, 0.008%; no homozygotes.

Submissions (2):

Labcorp Genetics (formerly Invitae), Labcorp
Classification: Uncertain significance. Last evaluated: 2026-01-02. Review status: criteria provided, single submitter. Criteria: Invitae Variant Classification Sherloc (09022015). Collection method: clinical testing. Allele origin: germline.
Comment: This sequence change replaces glycine, which is neutral and non-polar, with arginine, which is basic and polar, at codon 730 of the KMT2B protein (p.Gly730Arg). This variant is present in population databases (no rsID available, gnomAD 0.01%). This variant has not been reported in the literature in individuals affected with KMT2B-related conditions. ClinVar contains an entry for this variant (Variation ID: 1485761). Invitae Evidence Modeling of protein sequence and biophysical properties (such as structural, functional, and spatial information, amino acid conservation, physicochemical variation, residue mobility, and thermodynamic stability) indicates that this missense variant is not expected to disrupt KMT2B protein function with a negative predictive value of 95%. In summary, the available evidence is currently insufficient to determine the role of this variant in disease. Therefore, it has been classified as a Variant of Uncertain Significance.

Ambry Genetics
Classification: Uncertain significance for Inborn genetic diseases. Last evaluated: 2025-11-13. Review status: criteria provided, single submitter. Criteria: Ambry Variant Classification Scheme 2023. Collection method: clinical testing. Allele origin: germline.